The following is an entry in ClinVar:

ClinVar aggregate classification (germline): Uncertain significance. Review status: criteria provided, multiple submitters, no conflicts (2 of 4 stars). 2 submissions from 2 submitters: Uncertain significance (2). Last evaluated 2025-09-10.

Conditions:
Hereditary cancer-predisposing syndrome. Also called: Neoplastic Syndromes, Hereditary; Hereditary Cancer Syndrome; Tumor predisposition; Hereditary neoplastic syndrome. Identifiers: Orphanet 140162, MedGen C0027672, MeSH D009386, MONDO:0015356.
Neuroblastoma, susceptibility to, 3. Also called: ALK-Related Neuroblastic Tumor Susceptibility. Identifiers: Orphanet 635, MedGen C2751681, MONDO:0013083, OMIM 613014.

Submissions (2):

Labcorp Genetics (formerly Invitae), Labcorp
Classification: Uncertain significance for Neuroblastoma, susceptibility to, 3. Last evaluated: 2025-09-10. Review status: criteria provided, single submitter. Criteria: Invitae Variant Classification Sherloc (09022015). Collection method: clinical testing. Allele origin: germline.
Comment: This sequence change replaces methionine, which is neutral and non-polar, with threonine, which is neutral and polar, at codon 1089 of the ALK protein (p.Met1089Thr). This variant is not present in population databases (gnomAD no frequency). This variant has not been reported in the literature in individuals affected with ALK-related conditions. ClinVar contains an entry for this variant (Variation ID: 1434026). An algorithm developed to predict the effect of missense changes on protein structure and function (PolyPhen-2) suggests that this variant is likely to be disruptive. In summary, the available evidence is currently insufficient to determine the role of this variant in disease. Therefore, it has been classified as a Variant of Uncertain Significance.

Ambry Genetics
Classification: Uncertain significance for Hereditary cancer-predisposing syndrome. Last evaluated: 2024-03-07. Review status: criteria provided, single submitter. Criteria: Ambry Variant Classification Scheme 2023. Collection method: clinical testing. Allele origin: germline.
Comment: The p.M1089T variant (also known as c.3266T>C), located in coding exon 20 of the ALK gene, results from a T to C substitution at nucleotide position 3266. The methionine at codon 1089 is replaced by threonine, an amino acid with similar properties. This amino acid position is conserved. In addition, the in silico prediction for this alteration is inconclusive. Since supporting evidence is limited at this time, the clinical significance of this alteration remains unclear.

NM_004304.5(ALK):c.3266T>C (p.Met1089Thr)

Gene: ALK (ALK receptor tyrosine kinase; minus strand). Cytogenetic location: 2p23.2.
Variant type: single nucleotide variant.
Coding change: c.3266T>C on transcript NM_004304.5 (MANE Select); coding-DNA position 3266, T replaced by C.
Protein change: p.Met1089Thr; replaces methionine 1089 with threonine.
Molecular consequence: missense variant.
Genome position (GRCh38, 1-based): chr2:29,223,435, A>G on the plus strand (T>C on the coding strand, the complement: ALK is on the minus strand). VCF-style: chr2-29223435-A-G. GRCh37 (hg19) VCF-style: chr2-29446301-A-G.
Other names: c.62T>C, p.Met21Thr (NM_001353765.2); short protein forms M1089T, M21T.
Identifiers: ClinVar variation 1434026 (VCV001434026.9), dbSNP rs925658268, ClinGen allele CA44631995.